The following is an entry in ClinVar:

NM_007347.5(AP4E1):c.1840G>A (p.Glu614Lys)

Gene: AP4E1 (adaptor related protein complex 4 subunit epsilon 1; plus strand). Cytogenetic location: 15q21.2.
Variant type: single nucleotide variant.
Coding change: c.1840G>A on transcript NM_007347.5 (MANE Select); coding-DNA position 1840, G replaced by A.
Protein change: p.Glu614Lys; replaces glutamic acid 614 with lysine.
Molecular consequence: missense variant.
Genome position (GRCh38, 1-based): chr15:50,958,783, G>A. VCF-style: chr15-50958783-G-A. GRCh37 (hg19) VCF-style: chr15-51250980-G-A.
Other names: c.1615G>A, p.Glu539Lys (NM_001252127.2); short protein forms E539K, E614K.
Identifiers: ClinVar variation 1394678 (VCV001394678.6), dbSNP rs2064269714, ClinGen allele CA392418926.

ClinVar aggregate classification (germline): Uncertain significance (1 of 4 stars; one submission).

Conditions:
Spastic paraplegia. Identifiers: MedGen C0037772, HP:0001258.

Submission:

Labcorp Genetics (formerly Invitae), Labcorp
Classification: Uncertain significance for Spastic paraplegia. Last evaluated: 2021-12-13. Review status: criteria provided, single submitter. Criteria: Invitae Variant Classification Sherloc (09022015). Collection method: clinical testing. Allele origin: germline.
Comment: This variant has not been reported in the literature in individuals affected with AP4E1-related conditions. This variant is not present in population databases (gnomAD no frequency). This sequence change replaces glutamic acid, which is acidic and polar, with lysine, which is basic and polar, at codon 614 of the AP4E1 protein (p.Glu614Lys). Algorithms developed to predict the effect of missense changes on protein structure and function are either unavailable or do not agree on the potential impact of this missense change (SIFT: "Deleterious"; PolyPhen-2: "Benign"; Align-GVGD: "Class C0"). In summary, the available evidence is currently insufficient to determine the role of this variant in disease. Therefore, it has been classified as a Variant of Uncertain Significance.